The following is an entry in ClinVar:

ClinVar aggregate classification (germline): Pathogenic. Review status: criteria provided, single submitter (1 of 4 stars). 2 submissions from 2 submitters: Pathogenic (1). 1 of the submissions does not count toward it. Last evaluated 2025-09-08.

Conditions:
Leber congenital amaurosis 6 (LCA6). Identifiers: Orphanet 65, MedGen C1854260, MONDO:0013446, OMIM 613826.
Cone-rod dystrophy 13 (CORD13). Identifiers: Orphanet 1872, MedGen C2750720, MONDO:0011987, OMIM 608194.

Allele frequency attached by ClinVar (database versions not stated): gnomAD exomes below 0.00001; ExAC 0.00001; gnomAD 0.00001; 1000 Genomes Project 30x 0.00016; 1000 Genomes Project 0.00020.
gnomAD v4.1: 3 of 1,612,062 alleles (0.00019%); highest among the groups gnomAD compares: East Asian, 0.0022%; no homozygotes.

Submissions (2):

Labcorp Genetics (formerly Invitae), Labcorp
Classification: Pathogenic for Leber congenital amaurosis 6; Cone-rod dystrophy 13. Last evaluated: 2025-09-08. Review status: criteria provided, single submitter. Criteria: Invitae Variant Classification Sherloc (09022015). Collection method: clinical testing. Allele origin: germline.
Comment: This sequence change creates a premature translational stop signal (p.Arg267*) in the RPGRIP1 gene. It is expected to result in an absent or disrupted protein product. Loss-of-function variants in RPGRIP1 are known to be pathogenic (PMID: 11528500, 23105016). This variant is present in population databases (rs554396590, gnomAD 0.003%). This premature translational stop signal has been observed in individual(s) with clinical features of RPGRIP1-related conditions (PMID: 21602930, 23776498). ClinVar contains an entry for this variant (Variation ID: 560507). For these reasons, this variant has been classified as Pathogenic.

Joint Genome Diagnostic Labs from Nijmegen and Maastricht, Radboudumc and MUMC+
Classification: Pathogenic for Leber congenital amaurosis 6. Last evaluated: 2016-09-01. Review status: no assertion criteria provided. Collection method: clinical testing. Allele origin: unknown. Affected: yes. Observed: 1 variant allele. Not counted in ClinVar's aggregate classification.

Literature cited by the submitters: PubMed 11528500 (cited by Labcorp Genetics (formerly Invitae), Labcorp); PubMed 23105016 (cited by Labcorp Genetics (formerly Invitae), Labcorp); PubMed 21602930 (cited by Labcorp Genetics (formerly Invitae), Labcorp); PubMed 23776498 (cited by Labcorp Genetics (formerly Invitae), Labcorp).

NM_020366.4(RPGRIP1):c.799C>T (p.Arg267Ter)

Gene: RPGRIP1 (RPGR interacting protein 1; plus strand). Cytogenetic location: 14q11.2.
Variant type: single nucleotide variant.
Coding change: c.799C>T on transcript NM_020366.4 (MANE Select); coding-DNA position 799, C replaced by T.
Protein change: p.Arg267Ter; replaces arginine 267 with a stop codon.
Molecular consequence: nonsense.
Genome position (GRCh38, 1-based): chr14:21,303,542, C>T. VCF-style: chr14-21303542-C-T. GRCh37 (hg19) VCF-style: chr14-21771701-C-T.
Other names: short protein forms R267*.
Identifiers: ClinVar variation 560507 (VCV000560507.7), dbSNP rs554396590, ClinGen allele CA7088743.
Genomic context (GRCh38, chr14:21,303,542, plus strand): 5'-AAAGATGAAAATTTTGAACAGAGAAGCTCATTGGAGTGTGCTCAGAAGGCTGCAGAGCTT[C>T]GGTAAGAGTGTGGCACTCCATGCCTCAAACCAAAACGAACTGAAAAAGCTAAGAGATTCT-3'